The following is an entry in ClinVar:

ClinVar aggregate classification (germline): Uncertain significance (1 of 4 stars; one submission).

Conditions:
Ullrich congenital muscular dystrophy 2 (UCMD2). Identifiers: Orphanet 75840, MedGen C4225314, MONDO:0014654, OMIM 616470.
Bethlem myopathy 2 (BTHLM2). Identifiers: Orphanet 536516, Orphanet 610, MedGen C4225313, MONDO:0034022, OMIM 616471.

Submission:

Labcorp Genetics (formerly Invitae), Labcorp
Classification: Uncertain significance for Bethlem myopathy 2; Ullrich congenital muscular dystrophy 2. Last evaluated: 2022-10-04. Review status: criteria provided, single submitter. Criteria: Invitae Variant Classification Sherloc (09022015). Collection method: clinical testing. Allele origin: germline.
Comment: This variant has not been reported in the literature in individuals affected with COL12A1-related conditions. In summary, the available evidence is currently insufficient to determine the role of this variant in disease. Therefore, it has been classified as a Variant of Uncertain Significance. Experimental studies and prediction algorithms are not available or were not evaluated, and the functional significance of this variant is currently unknown. This variant is not present in population databases (gnomAD no frequency). This sequence change creates a premature translational stop signal (p.Lys649fs) in the COL12A1 gene. Multiple COL12A1 isoforms have been reported, and the functional impact of this variant is uncertain (PMID: 8601036).

Literature cited by the submitters: PubMed 8601036.

NM_004370.6(COL12A1):c.1945_1946delinsTTTTTTTTTTTTTTTTTTTTTTTTTTTTTTTTTTTTTTTTTTTTTTTTTTTTTTTNNNNNNNNNNGCTGGTGCACTGCACCCACTAATGTGTCATCTAGCATTAGGTATATCTCCCAATGCTATCCCTCCCCCCTCC (p.Lys649delinsPhePhePhePhePhePhePhePhePhePhePhePhePhePhePhePhePhePheXaaXaaXaaXaaLeuValHisCysThrHisTer)

Gene: COL12A1 (collagen type XII alpha 1 chain; minus strand). Cytogenetic location: 6q13.
Variant type: Indel.
Coding change: c.1945_1946delinsTTTTTTTTTTTTTTTTTTTTTTTTTTTTTTTTTTTTTTTTTTTTTTTTTTTTTTTNNNNNNNNNNGCTGGTGCACTGCACCCACTAATGTGTCATCTAGCATTAGGTATATCTCCCAATGCTATCCCTCCCCCCTCC on transcript NM_004370.6 (MANE Select); coding-DNA positions 1945 to 1946, the reference bases replaced by an inserted sequence.
Protein change: p.Lys649delinsPhePhePhePhePhePhePhePhePhePhePhePhePhePhePhePhePhePheXaaXaaXaaXaaLeuValHisCysThrHisTer.
Molecular consequence: nonsense. On other transcripts: intron variant (1).
Genome position (GRCh38, 1-based): chr6:75,181,157-75,181,158, 2 bases replaced. GRCh37 (hg19): chr6:75,890,873-75,890,874.
Other names: c.73+21562_73+21563delinsTTTTTTTTTTTTTTTTTTTTTTTTTTTTTTTTTTTTTTTTTTTTTTTTTTTTTTTNNNNNNNNNNGCTGGTGCACTGCACCCACTAATGTGTCATCTAGCATTAGGTATATCTCCCAATGCTATCCCTCCCCCCTCC (NM_080645.3).
Identifiers: ClinVar variation 2024342 (VCV002024342.4), dbSNP rs2533552896.